The following is an entry in ClinVar:

NM_000137.4(FAH):c.978dup (p.Leu327fs)

Gene: FAH (fumarylacetoacetate hydrolase; plus strand). Cytogenetic location: 15q25.1.
Variant type: Duplication.
Coding change: c.978dup on transcript NM_000137.4 (MANE Select); coding-DNA position 978, one base duplicated (G; older notation c.978dupG).
Protein change: p.Leu327fs; shifts the reading frame from leucine 327.
Molecular consequence: frameshift variant.
Genome position (GRCh38, 1-based): chr15:80,180,141, G duplicated. VCF-style (leftmost placement, unchanged base first): chr15-80180140-T-TG. GRCh37 (hg19) VCF-style: chr15-80472482-T-TG.
Other names: c.978dup, p.Leu327fs (NM_001374377.1, NM_001374380.1); c.978dupG (NM_000137.2); short protein forms L327fs.
Identifiers: ClinVar variation 656983 (VCV000656983.6), dbSNP rs1595897321, ClinGen allele CA915946095.

ClinVar aggregate classification (germline): Pathogenic (1 of 4 stars; one submission).

Conditions:
Tyrosinemia type I (TYRSN1). Also called: FAH DEFICIENCY; Tyrosinemia type 1; Fumarylacetoacetase deficiency; Deficiency of fumarylacetoacetase; HEPATORENAL TYROSINEMIA. Identifiers: Orphanet 882, MedGen C0268490, MONDO:0010161, OMIM 276700. Disease mechanism: loss of function.

Submission:

Labcorp Genetics (formerly Invitae), Labcorp
Classification: Pathogenic for Tyrosinemia type I. Last evaluated: 2021-07-30. Review status: criteria provided, single submitter. Criteria: Invitae Variant Classification Sherloc (09022015). Collection method: clinical testing. Allele origin: germline.
Comment: This variant is not present in population databases (ExAC no frequency). This sequence change creates a premature translational stop signal (p.Leu327Alafs*63) in the FAH gene. While this is not anticipated to result in nonsense mediated decay, it is expected to disrupt the last 93 amino acid(s) of the FAH protein. This variant has not been reported in the literature in individuals affected with FAH-related conditions. For these reasons, this variant has been classified as Pathogenic. This variant disrupts a region of the FAH protein in which other variant(s) (p.Gly404Ser) have been determined to be pathogenic (PMID: 21117323, 27814443; Invitae). This suggests that this is a clinically significant region of the protein, and that variants that disrupt it are likely to be disease-causing. ClinVar contains an entry for this variant (Variation ID: 656983).

Literature cited by the submitters: PubMed 21117323; PubMed 27814443.